The following is an entry in ClinVar:

ClinVar aggregate classification (germline): Likely benign (1 of 4 stars; one submission).

Allele frequency attached by ClinVar (database versions not stated): 1000 Genomes Project 30x 0.00016; 1000 Genomes Project 0.00020; gnomAD 0.00084; TOPMed 0.00103; ESP Exome Variant Server 0.00135; ExAC 0.00143.
gnomAD v4.1: 2,169 of 1,489,296 alleles (0.15%); highest among the groups gnomAD compares: Non-Finnish European, 0.18%; 2 homozygotes.

Submission:

CeGaT Center for Human Genetics Tuebingen
Classification: Likely benign. Last evaluated: 2026-02-01. Review status: criteria provided, single submitter. Criteria: CeGaT Center For Human Genetics Tuebingen Variant Classification Criteria Version 2. Collection method: clinical testing. Allele origin: germline. Affected: yes. Observed: 2 variant alleles.
Comment: DPP9: BP4

NM_139159.5(DPP9):c.57-4G>A

Genes: DPP9 (dipeptidyl peptidase 9; minus strand), LOC126862842 (CDK7 strongly-dependent group 2 enhancer GRCh37_chr19:4713085-4714284; plus strand). Cytogenetic location: 19p13.3.
Variant type: single nucleotide variant.
Coding change: c.57-4G>A on transcript NM_139159.5 (MANE Select); 4 bases into the intron before coding-DNA position 57, G replaced by A.
Molecular consequence: intron variant.
Genome position (GRCh38, 1-based): chr19:4,714,341, C>T on the plus strand (G>A on the coding strand, the complement: DPP9 is on the minus strand). VCF-style: chr19-4714341-C-T. GRCh37 (hg19) VCF-style: chr19-4714353-C-T.
Other names: c.57-4G>A (NM_001384611.1, NM_001384635.1, NM_001384638.1 and 19 more transcripts); c.-31-4G>A (NM_001384633.1, NM_001384632.1, NM_001384625.1 and 4 more transcripts).
Identifiers: ClinVar variation 2649080 (VCV002649080.24), dbSNP rs202179513, ClinGen allele CA9104507.